The following is an entry in ClinVar:

NM_001376.5(DYNC1H1):c.9745G>A (p.Glu3249Lys)

Gene: DYNC1H1 (dynein cytoplasmic 1 heavy chain 1; plus strand). Cytogenetic location: 14q32.31.
Variant type: single nucleotide variant.
Coding change: c.9745G>A on transcript NM_001376.5 (MANE Select); coding-DNA position 9745, G replaced by A.
Protein change: p.Glu3249Lys; replaces glutamic acid 3249 with lysine.
Molecular consequence: missense variant.
Genome position (GRCh38, 1-based): chr14:102,029,921, G>A. VCF-style: chr14-102029921-G-A. GRCh37 (hg19) VCF-style: chr14-102496258-G-A.
Other names: short protein forms E3249K.
Identifiers: ClinVar variation 2830843 (VCV002830843.3), dbSNP rs2503812075, ClinGen allele CA391017170.

ClinVar aggregate classification (germline): Uncertain significance (1 of 4 stars; one submission).

Conditions:
Charcot-Marie-Tooth disease axonal type 2O. Also called: CHARCOT-MARIE-TOOTH NEUROPATHY, AXONAL, TYPE 2O; CHARCOT-MARIE-TOOTH DISEASE, AXONAL, AUTOSOMAL DOMINANT, TYPE 2O; Charcot-Marie-Tooth disease, axonal, type 20; Charcot-Marie-Tooth Neuropathy Type 2O. Identifiers: Orphanet 284232, MedGen C3280220, MONDO:0013644, OMIM 614228.

Submission:

Labcorp Genetics (formerly Invitae), Labcorp
Classification: Uncertain significance for Charcot-Marie-Tooth disease axonal type 2O. Last evaluated: 2023-09-15. Review status: criteria provided, single submitter. Criteria: Invitae Variant Classification Sherloc (09022015). Collection method: clinical testing. Allele origin: germline.
Comment: In summary, the available evidence is currently insufficient to determine the role of this variant in disease. Therefore, it has been classified as a Variant of Uncertain Significance. Advanced modeling of protein sequence and biophysical properties (such as structural, functional, and spatial information, amino acid conservation, physicochemical variation, residue mobility, and thermodynamic stability) has been performed at Invitae for this missense variant, however the output from this modeling did not meet the statistical confidence thresholds required to predict the impact of this variant on DYNC1H1 protein function. This variant has not been reported in the literature in individuals affected with DYNC1H1-related conditions. This variant is not present in population databases (gnomAD no frequency). This sequence change replaces glutamic acid, which is acidic and polar, with lysine, which is basic and polar, at codon 3249 of the DYNC1H1 protein (p.Glu3249Lys).